The following is an entry in ClinVar:

NC_000012.11:g.(?_32945338)_(32977116_?)del

Gene: PKP2 (plakophilin 2; minus strand). Cytogenetic location: 12p11.21.
Variant type: Deletion.
Identifiers: ClinVar variation 464403 (VCV000464403.7).

ClinVar aggregate classification (germline): Pathogenic (1 of 4 stars; one submission).

Conditions:
Arrhythmogenic right ventricular dysplasia 9 (ARVD9). Also called: Arrhythmogenic Right Ventricular Dysplasia/Cardiomyopathy 9; ARRHYTHMOGENIC RIGHT VENTRICULAR DYSPLASIA, FAMILIAL, 9. Identifiers: MedGen C1836906, MONDO:0012180, OMIM 609040.

Submission:

Labcorp Genetics (formerly Invitae), Labcorp
Classification: Pathogenic for Arrhythmogenic right ventricular dysplasia 9. Last evaluated: 2017-10-12. Review status: criteria provided, single submitter. Criteria: Invitae Variant Classification Sherloc (09022015). Collection method: clinical testing. Allele origin: germline.
Comment: For these reasons, this variant has been classified as Pathogenic. Several missense substitution included in the deleted region (p.Ser615Phe, p.Ser688Pro, p.Cys796Arg) has been determined to be pathogenic (PMID:¬†15489853,¬†21606390, 16567567, 22781308,¬†23863954). This suggests that deletion of this region of the PKP2 protein is causative of disease. This variant has ¬†been reported in the literature in an individuals affected with arrhythmogenic right ventricular cardiomyopathy (ARVC) (PMID: 25616645). This variant is a gross deletion of the genomic region encompassing exons 8-14 of the PKP2 gene. The 5' boundary is likely confined to intron 7. The 3' end of this event is unknown as it extends through the termination codon beyond the assayed region for this gene and may encompass additional genes. While this deletion is not anticipated to result in nonsense mediated decay, it is expected to create a truncated protein product or disrupt mRNA translation.

Literature cited by the submitters: PubMed 25616645.